The following is an entry in ClinVar:

NM_000443.4(ABCB4):c.3100dup (p.Ile1034fs)

Gene: ABCB4 (ATP binding cassette subfamily B member 4; minus strand). Cytogenetic location: 7q21.12.
Variant type: Duplication.
Coding change: c.3100dup on transcript NM_000443.4 (MANE Select); coding-DNA position 3100, one base duplicated (A; older notation c.3100dupA).
Protein change: p.Ile1034fs; shifts the reading frame from isoleucine 1034.
Molecular consequence: frameshift variant.
Genome position (GRCh38, 1-based): chr7:87,408,216, T duplicated on the plus strand (A on the coding strand, the reverse complement: ABCB4 is on the minus strand). VCF-style (leftmost placement, unchanged base first): chr7-87408215-A-AT. GRCh37 (hg19) VCF-style: chr7-87037531-A-AT.
Other names: c.3100dup, p.Ile1034fs (NM_018849.3); c.2959dup, p.Ile987fs (NM_018850.3); short protein forms I1034fs, I987fs.
Identifiers: ClinVar variation 4846492 (VCV004846492.1).

ClinVar aggregate classification (germline): Pathogenic (1 of 4 stars; one submission).

Conditions:
Familial intrahepatic cholestasis. Identifiers: Orphanet 284385, MedGen CN296401, MONDO:0017290.

Submission:

Genomenon, Inc
Classification: Pathogenic for Familial intrahepatic cholestasis. Last evaluated: 2026-04-14. Review status: criteria provided, single submitter. Criteria: Genomenon Sequence Variant Interpretation Standards - Updated. Collection method: curation. Allele origin: germline. Affected: yes.
Comment: ABCB4 p.Ile1034AsnfsTer4 (c.3100dup) is a frameshift variant that results in the production of a truncated protein which is predicted to undergo nonsense-mediated mRNA decay. This variant has been observed in at least one proband with an ABCB4-related disorder (PMID:36550572). It is absent or not present at a significant frequency in gnomAD. In conclusion, we classify ABCB4 p.Ile1034AsnfsTer4 (c.3100dup) as a pathogenic variant.

Literature cited by the submitters: PubMed 36550572.